The following is an entry in ClinVar:

NM_000051.4(ATM):c.8002G>T (p.Glu2668Ter)

Genes: ATM (ATM serine/threonine kinase; plus strand), C11orf65 (chromosome 11 open reading frame 65; minus strand). Cytogenetic location: 11q22.3.
Variant type: single nucleotide variant.
Coding change: c.8002G>T on transcript NM_000051.4 (MANE Select); coding-DNA position 8002, G replaced by T.
Protein change: p.Glu2668Ter; replaces glutamic acid 2668 with a stop codon.
Molecular consequence: nonsense. On other transcripts: intron variant (2).
Genome position (GRCh38, 1-based): chr11:108,333,960, G>T. VCF-style: chr11-108333960-G-T. GRCh37 (hg19) VCF-style: chr11-108204687-G-T.
Other names: c.8002G>T, p.Glu2668Ter (NM_001351834.2); c.641-24889C>A (NM_001330368.2); c.*38+1260C>A (NM_001351110.2); short protein forms E2668*.
Identifiers: ClinVar variation 4169752 (VCV004169752.1).
Genomic context (GRCh38, chr11:108,333,960, plus strand): 5'-CCAGCAGACCAGCCAATTACTAAACTTAAGAATTTAGAAGATGTTGTTGTCCCTACTATG[G>T]AAATTAAGGTAATTTGCAATTAACTCTTGATTTTTTTTAAACTAAATTTTTTTTATTAGA-3'

ClinVar aggregate classification (germline): Pathogenic (1 of 4 stars; one submission).
ClinVar aggregate classification (oncogenicity): Likely oncogenic (1 of 4 stars; one submission).

Conditions:
Hereditary cancer-predisposing syndrome. Also called: Neoplastic Syndromes, Hereditary; Tumor predisposition; Hereditary neoplastic syndrome; Hereditary Cancer Syndrome. Identifiers: Orphanet 140162, MedGen C0027672, MeSH D009386, MONDO:0015356.
Neoplasm. Also called: Neoplasms; Neoplasm (disease); tumor. Identifiers: MedGen C0027651, MeSH D009369, MONDO:0005070, HP:0002664.

Submissions (2):

Center for Genomic Medicine, Rigshospitalet, Copenhagen University Hospital
Classification: Likely oncogenic for Neoplasm. Last evaluated: 2025-12-29. Review status: criteria provided, single submitter. Criteria: ClinGen/CGC/VICC Guidelines for Oncogenicity, 2022. Collection method: clinical testing. Allele origin: somatic. Affected: yes.

Ambry Genetics
Classification: Pathogenic for Hereditary cancer-predisposing syndrome. Last evaluated: 2025-08-04. Review status: criteria provided, single submitter. Criteria: Ambry Variant Classification Scheme 2023. Collection method: clinical testing. Allele origin: germline.
Comment: The p.E2668* pathogenic mutation (also known as c.8002G>T), located in coding exon 53 of the ATM gene, results from a G to T substitution at nucleotide position 8002. This changes the amino acid from a glutamic acid to a stop codon within coding exon 53. This variant is considered to be rare based on population cohorts in the Genome Aggregation Database (gnomAD). This alteration is expected to result in loss of function by premature protein truncation or nonsense-mediated mRNA decay. As such, this alteration is interpreted as a disease-causing mutation.